The following is an entry in ClinVar:

ClinVar aggregate classification (germline): Uncertain significance. Review status: criteria provided, multiple submitters, no conflicts (2 of 4 stars). 3 submissions from 3 submitters: Uncertain significance (3). Last evaluated 2025-09-15.

Conditions:
Intellectual disability, autosomal dominant 16 (CSS4). Also called: COFFIN-SIRIS SYNDROME 4. Identifiers: Orphanet 1465, MedGen C3553249, MONDO:0013821, OMIM 614609.
Hereditary cancer-predisposing syndrome. Also called: Tumor predisposition; Hereditary Cancer Syndrome; Hereditary neoplastic syndrome; Neoplastic Syndromes, Hereditary. Identifiers: Orphanet 140162, MedGen C0027672, MeSH D009386, MONDO:0015356.
Rhabdoid tumor predisposition syndrome 2 (RTPS2). Identifiers: Orphanet 231108, Orphanet 69077, MedGen C2750074, MONDO:0013224, OMIM 613325.

Submissions (3):

Labcorp Genetics (formerly Invitae), Labcorp
Classification: Uncertain significance for Rhabdoid tumor predisposition syndrome 2. Last evaluated: 2025-09-15. Review status: criteria provided, single submitter. Criteria: Invitae Variant Classification Sherloc (09022015). Collection method: clinical testing. Allele origin: germline.
Comment: This sequence change replaces glycine, which is neutral and non-polar, with aspartic acid, which is acidic and polar, at codon 156 of the SMARCA4 protein (p.Gly156Asp). This variant is not present in population databases (gnomAD no frequency). This variant has not been reported in the literature in individuals affected with SMARCA4-related conditions. ClinVar contains an entry for this variant (Variation ID: 486480). Invitae Evidence Modeling of protein sequence and biophysical properties (such as structural, functional, and spatial information, amino acid conservation, physicochemical variation, residue mobility, and thermodynamic stability) indicates that this missense variant is not expected to disrupt SMARCA4 protein function with a negative predictive value of 95%. In summary, the available evidence is currently insufficient to determine the role of this variant in disease. Therefore, it has been classified as a Variant of Uncertain Significance.

Ambry Genetics
Classification: Uncertain significance for Hereditary cancer-predisposing syndrome. Last evaluated: 2024-06-03. Review status: criteria provided, single submitter. Criteria: Ambry Variant Classification Scheme 2023. Collection method: clinical testing. Allele origin: germline.
Comment: The p.G156D variant (also known as c.467G>A), located in coding exon 3 of the SMARCA4 gene, results from a G to A substitution at nucleotide position 467. The glycine at codon 156 is replaced by aspartic acid, an amino acid with similar properties. This amino acid position is well conserved in available vertebrate species. In addition, the in silico prediction for this alteration is inconclusive. Based on the available evidence, the clinical significance of this variant remains unclear.

Genome-Nilou Lab
Classification: Uncertain significance for Intellectual disability, autosomal dominant 16. Last evaluated: 2021-07-15. Review status: criteria provided, single submitter. Criteria: ACMG Guidelines, 2015. Collection method: clinical testing. Allele origin: germline. Affected: no.

NM_003072.5(SMARCA4):c.467G>A (p.Gly156Asp)

Gene: SMARCA4 (SWI/SNF related BAF chromatin remodeling complex subunit ATPase 4; plus strand). Cytogenetic location: 19p13.2.
Variant type: single nucleotide variant.
Coding change: c.467G>A on transcript NM_003072.5 (MANE Select); coding-DNA position 467, G replaced by A.
Protein change: p.Gly156Asp; replaces glycine 156 with aspartic acid.
Molecular consequence: missense variant. On other transcripts: non-coding transcript variant (1).
Genome position (GRCh38, 1-based): chr19:10,986,300, G>A. VCF-style: chr19-10986300-G-A. GRCh37 (hg19) VCF-style: chr19-11096976-G-A.
Other names: c.467G>A, p.Gly156Asp (NM_001128844.3, NM_001128845.2, NM_001128846.2 and 5 more transcripts); short protein forms G156D.
Identifiers: ClinVar variation 486480 (VCV000486480.16), dbSNP rs1555753146, ClinGen allele CA404056046.
Genomic context (GRCh38, chr19:10,986,300, plus strand): 5'-CCAGTGGCCCGTCTTCGGGGCCCCAGATGTCTTCCGGGCCAGGAGGTGCCCCGCTGGATG[G>A]TGCTGACCCCCAGGCCTTGGGGCAGCAGAACCGGGGCCCAACCCCATTTAACCAGAACCA-3'
Protein context (NP_003063.2, residues 146-166): SSGPGGAPLD[Gly156Asp]ADPQALGQQN